The following is an entry in ClinVar:

NM_006618.5(KDM5B):c.301T>C (p.Leu101=)

Gene: KDM5B (lysine demethylase 5B; minus strand). Cytogenetic location: 1q32.1.
Variant type: single nucleotide variant.
Coding change: c.301T>C on transcript NM_006618.5 (MANE Select); coding-DNA position 301, T replaced by C.
Protein change: p.Leu101=; no amino-acid change (leucine 101 retained).
Molecular consequence: synonymous variant.
Genome position (GRCh38, 1-based): chr1:202,774,717, A>G on the plus strand (T>C on the coding strand, the complement: KDM5B is on the minus strand). VCF-style: chr1-202774717-A-G. GRCh37 (hg19) VCF-style: chr1-202743845-A-G.
Other names: c.301T>C, p.Leu101= (NM_001314042.2, NM_001347591.2); c.286T>C, p.Leu96= (NM_001399817.1).
Identifiers: ClinVar variation 2639810 (VCV002639810.24), dbSNP rs79644878, ClinGen allele CA1335021.
Genomic context (GRCh38, chr1:202,774,717, plus strand): 5'-GAATTTTCAGAGTACTTCCCTGTAACTCCCAGTACTTTGCAATCTGGTCCAAGAAATTCA[A>G]TTTTACACGAGTTTGGGCCTAAAAGACAAAGAATTGAGTTTTCATCTCATTTAGCTTATT-3'
Protein context (NP_006609.3, residues 91-111): NELEAQTRVK[Leu101=]NFLDQIAKYW

ClinVar aggregate classification (germline): Likely benign (1 of 4 stars; one submission).

Allele frequency attached by ClinVar (database versions not stated): ExAC 0.00004; gnomAD 0.00005; TOPMed 0.00006; ESP Exome Variant Server 0.00008; gnomAD exomes 0.00010.
gnomAD v4.1: 149 of 1,613,252 alleles (0.0092%); highest among the groups gnomAD compares: Non-Finnish European, 0.012%; no homozygotes.

Submission:

CeGaT Center for Human Genetics Tuebingen
Classification: Likely benign. Last evaluated: 2024-08-01. Review status: criteria provided, single submitter. Criteria: CeGaT Center For Human Genetics Tuebingen Variant Classification Criteria Version 2. Collection method: clinical testing. Allele origin: germline. Affected: yes. Observed: 2 variant alleles.
Comment: KDM5B: BP4, BP7